The following is an entry in ClinVar:

NM_020631.6(PLEKHG5):c.540C>T (p.Pro180=)

Gene: PLEKHG5 (pleckstrin homology and RhoGEF domain containing G5; minus strand). Cytogenetic location: 1p36.31.
Variant type: single nucleotide variant.
Coding change: c.540C>T on transcript NM_020631.6 (MANE Select); coding-DNA position 540, C replaced by T.
Protein change: p.Pro180=; no amino-acid change (proline 180 retained).
Molecular consequence: synonymous variant.
Genome position (GRCh38, 1-based): chr1:6,474,064, G>A on the plus strand (C>T on the coding strand, the complement: PLEKHG5 is on the minus strand). VCF-style: chr1-6474064-G-A. GRCh37 (hg19) VCF-style: chr1-6534124-G-A.
Other names: c.651C>T, p.Pro217= (NM_001042663.3, NM_001265592.2); c.540C>T, p.Pro180= (NM_001042664.2, NM_001042665.2, NM_001265594.3 and 1 more transcripts); c.747C>T, p.Pro249= (NM_001265593.2).
Identifiers: ClinVar variation 1596777 (VCV001596777.37), dbSNP rs372624847, ClinGen allele CA561816.

ClinVar aggregate classification (germline): Likely benign. Review status: criteria provided, multiple submitters, no conflicts (2 of 4 stars). 2 submissions from 2 submitters: Likely benign (2). Last evaluated 2025-03-19.

Conditions:
Charcot-Marie-Tooth disease recessive intermediate C. Also called: CHARCOT-MARIE-TOOTH NEUROPATHY, RECESSIVE INTERMEDIATE C. Identifiers: Orphanet 369867, MedGen C3809309, MONDO:0014154, OMIM 615376.
Neuronopathy, distal hereditary motor, autosomal recessive 4. Also called: NEUROPATHY, DISTAL HEREDITARY MOTOR, AUTOSOMAL RECESSIVE 4; Autosomal recessive lower motor neuron disease with childhood onset. Identifiers: Orphanet 206580, MedGen C1970211, MONDO:0012608, OMIM 611067.

Allele frequency attached by ClinVar (database versions not stated): ESP Exome Variant Server 0.00008.

Submissions (2):

Labcorp Genetics (formerly Invitae), Labcorp
Classification: Likely benign for Neuronopathy, distal hereditary motor, autosomal recessive 4; Charcot-Marie-Tooth disease recessive intermediate C. Last evaluated: 2025-03-19. Review status: criteria provided, single submitter. Criteria: Invitae Variant Classification Sherloc (09022015). Collection method: clinical testing. Allele origin: germline.

CeGaT Center for Human Genetics Tuebingen
Classification: Likely benign. Last evaluated: 2022-11-01. Review status: criteria provided, single submitter. Criteria: CeGaT Center For Human Genetics Tuebingen Variant Classification Criteria Version 2. Collection method: clinical testing. Allele origin: germline. Affected: yes. Observed: 1 variant allele.
Comment: PLEKHG5: PM2:Supporting, BP4, BP7